The following is an entry in ClinVar:

ClinVar aggregate classification (germline): Pathogenic (1 of 4 stars; one submission).

Conditions:
Hereditary breast ovarian cancer syndrome. Also called: Hereditary breast and ovarian cancer; Breast and ovarian cancer; BRCA1- and BRCA2-Associated Hereditary Breast and Ovarian Cancer; Hereditary breast and/or ovarian cancer syndrome; Hereditary breast and ovarian cancer syndrome; Hereditary breast and ovarian cancer syndrome (HBOC). Identifiers: Orphanet 145, MedGen C0677776, MeSH D061325, MONDO:0003582. Disease mechanism: loss of function.

Submission:

Labcorp Genetics (formerly Invitae), Labcorp
Classification: Pathogenic for Hereditary breast ovarian cancer syndrome. Last evaluated: 2022-03-05. Review status: criteria provided, single submitter. Criteria: Invitae Variant Classification Sherloc (09022015). Collection method: clinical testing. Allele origin: germline.
Comment: This sequence change creates a premature translational stop signal (p.Asn2030Ilefs*10) in the BRCA2 gene. It is expected to result in an absent or disrupted protein product. Loss-of-function variants in BRCA2 are known to be pathogenic (PMID: 20104584). This variant is not present in population databases (gnomAD no frequency). This variant has not been reported in the literature in individuals affected with BRCA2-related conditions. ClinVar contains an entry for this variant (Variation ID: 1076404). For these reasons, this variant has been classified as Pathogenic.

Literature cited by the submitters: PubMed 20104584.

NM_000059.4(BRCA2):c.6089del (p.Asn2030fs)

Gene: BRCA2 (BRCA2 DNA repair associated; plus strand). Cytogenetic location: 13q13.1.
Variant type: Deletion.
Coding change: c.6089del on transcript NM_000059.4 (MANE Select); coding-DNA position 6089, one base deleted (A; older notation c.6089delA).
Protein change: p.Asn2030fs; shifts the reading frame from asparagine 2030.
Molecular consequence: frameshift variant.
Genome position (GRCh38, 1-based): chr13:32,340,444, A deleted; the last of 4 consecutive A bases (chr13:32,340,441-32,340,444); deleting any one gives the same sequence. VCF-style (leftmost placement, unchanged base first): chr13-32340440-GA-G. GRCh37 (hg19) VCF-style: chr13-32914577-GA-G.
Other names: short protein forms N2030fs.
Identifiers: ClinVar variation 1076404 (VCV001076404.7), dbSNP rs1555284538, ClinGen allele CA2499222222.
Genomic context (GRCh38, chr13:32,340,440, plus strand): 5'-CAAGTCTTTTCCAAAGTATTGTTTAAAAGTAACGAACATTCAGACCAGCTCACAAGAGAA[GA>G]AAATACTGCTATACGTACTCCAGAACATTTAATATCCCAAAAAGGCTTTTCATATAATGT-3'